The following is an entry in ClinVar:

NM_000535.7(PMS2):c.2504G>T (p.Gly835Val)

Gene: PMS2 (PMS1 homolog 2, mismatch repair system component; minus strand). Cytogenetic location: 7p22.1.
Variant type: single nucleotide variant.
Coding change: c.2504G>T on transcript NM_000535.7 (MANE Select); coding-DNA position 2504, G replaced by T.
Protein change: p.Gly835Val; replaces glycine 835 with valine.
Molecular consequence: missense variant. On other transcripts: non-coding transcript variant (1).
Genome position (GRCh38, 1-based): chr7:5,973,484, C>A on the plus strand (G>T on the coding strand, the complement: PMS2 is on the minus strand). VCF-style: chr7-5973484-C-A. GRCh37 (hg19) VCF-style: chr7-6013115-C-A.
Other names: c.2099G>T, p.Gly700Val (NM_001018040.1, NM_001322003.2, NM_001322004.2 and 12 more transcripts); c.2348G>T, p.Gly783Val (NM_001322006.2); c.2186G>T, p.Gly729Val (NM_001322007.2, NM_001322008.2, NM_001406883.1); c.2132G>T, p.Gly711Val (NM_001322009.2, NM_001406887.1, NM_001406888.1); c.1943G>T, p.Gly648Val (NM_001322010.2, NM_001406906.1, NM_001406907.1); c.1571G>T, p.Gly524Val (NM_001322011.2, NM_001322012.2); c.1931G>T, p.Gly644Val (NM_001322013.2, NM_001406908.1, NM_001406909.1); c.2537G>T, p.Gly846Val (NM_001322014.2); and 20 more; short protein forms G524V, G677V, G769V, G787V, G799V, G846V, G897V, G434V.
Identifiers: ClinVar variation 1792295 (VCV001792295.2), dbSNP rs1454373685, ClinGen allele CA366734914.

ClinVar aggregate classification (germline): Uncertain significance (1 of 4 stars; one submission).

Conditions:
Hereditary cancer-predisposing syndrome. Also called: Hereditary Cancer Syndrome; Hereditary neoplastic syndrome; Tumor predisposition; Neoplastic Syndromes, Hereditary. Identifiers: Orphanet 140162, MedGen C0027672, MeSH D009386, MONDO:0015356.

Submission:

Ambry Genetics
Classification: Uncertain significance for Hereditary cancer-predisposing syndrome. Last evaluated: 2021-03-25. Review status: criteria provided, single submitter. Criteria: Ambry Variant Classification Scheme 2023. Collection method: clinical testing. Allele origin: germline.
Comment: The p.G835V variant (also known as c.2504G>T), located in coding exon 15 of the PMS2 gene, results from a G to T substitution at nucleotide position 2504. The glycine at codon 835 is replaced by valine, an amino acid with dissimilar properties. This amino acid position is highly conserved in available vertebrate species. In addition, this alteration is predicted to be deleterious by in silico analysis. Since supporting evidence is limited at this time, the clinical significance of this alteration remains unclear.